The following is an entry in ClinVar:

ClinVar aggregate classification (germline): Uncertain significance (1 of 4 stars; one submission).

gnomAD v4.1: 1 of 1,613,934 alleles (0.000062%); no homozygotes.

Submission:

GeneDx
Classification: Uncertain significance. Last evaluated: 2022-11-28. Review status: criteria provided, single submitter. Criteria: GeneDx Variant Classification Process June 2021. Collection method: clinical testing. Allele origin: germline. Affected: yes.
Comment: Not observed at significant frequency in large population cohorts (gnomAD); In silico analysis supports that this missense variant does not alter protein structure/function; Has not been previously published as pathogenic or benign to our knowledge

NM_001303256.3(MORC2):c.1937T>G (p.Val646Gly)

Gene: MORC2 (MORC family CW-type zinc finger 2; minus strand). Cytogenetic location: 22q12.2.
Variant type: single nucleotide variant.
Coding change: c.1937T>G on transcript NM_001303256.3 (MANE Select); coding-DNA position 1937, T replaced by G.
Protein change: p.Val646Gly; replaces valine 646 with glycine.
Molecular consequence: missense variant.
Genome position (GRCh38, 1-based): chr22:30,935,037, A>C on the plus strand (T>G on the coding strand, the complement: MORC2 is on the minus strand). VCF-style: chr22-30935037-A-C. GRCh37 (hg19) VCF-style: chr22-31331024-A-C.
Other names: c.1937T>G, p.Val646Gly (NM_001303257.2); c.1751T>G, p.Val584Gly (NM_014941.3); short protein forms V584G, V646G.
Identifiers: ClinVar variation 2503125 (VCV002503125.1), dbSNP rs2517580190, ClinGen allele CA411235229.
Genomic context (GRCh38, chr22:30,935,037, plus strand): 5'-CTAGATGTGCTGGCCTCCTCCCGGGCTGCCAAAGCAGGGAGCTTTGGGGTACTGCTGATG[A>C]CAGGAGCCTTTCGGGGCTGGCTGGCTGGTCTAGGAGTTGGCAAAGAAGGGGGTCTGCTGG-3'
Protein context (NP_001290185.1, residues 636-656): RPASQPRKAP[Val646Gly]ISSTPKLPAL